The following is an entry in ClinVar:

ClinVar aggregate classification (germline): Pathogenic (1 of 4 stars; one submission).

Conditions:
Argininosuccinate lyase deficiency. Also called: ARGININOSUCCINIC ACID LYASE DEFICIENCY; ASL DEFICIENCY; Argininosuccinic aciduria. Identifiers: Orphanet 23, MedGen C0268547, MONDO:0008815, OMIM 207900, HP:0025630.

Submission:

Labcorp Genetics (formerly Invitae), Labcorp
Classification: Pathogenic for Argininosuccinate lyase deficiency. Last evaluated: 2023-02-26. Review status: criteria provided, single submitter. Criteria: Invitae Variant Classification Sherloc (09022015). Collection method: clinical testing. Allele origin: unknown.
Comment: This variant is a gross deletion of the genomic region encompassing exon(s) 2-6 of the ASL gene, which includes the initiator codon. This deletion extends beyond the assayed region for this gene and therefore may encompass additional genes. It is expected to result in an absent or disrupted protein product. Loss-of-function variants in ASL are known to be pathogenic (PMID: 2263616, 24166829). This variant has not been reported in the literature in individuals affected with ASL-related conditions. For these reasons, this variant has been classified as Pathogenic.

Literature cited by the submitters: PubMed 2263616; PubMed 24166829.

NC_000007.13:g.(?_65541069)_(65548181_?)del

Gene: ASL (argininosuccinate lyase; plus strand). Cytogenetic location: 7q11.21.
Variant type: Deletion.
Identifiers: ClinVar variation 3245720 (VCV003245720.1).